The following is an entry in ClinVar:

ClinVar aggregate classification (germline): Uncertain significance (1 of 4 stars; one submission).

Conditions:
Angelman syndrome (AS). Also called: HAPPY PUPPET SYNDROME. Identifiers: Orphanet 72, MedGen C0162635, MONDO:0007113, OMIM 105830. Disease mechanism: loss of function. Inheritance: AS is caused by disruption of maternally imprinted UBE3A located within the 15q11.2-q13 Angelman syndrome/Prader-Willi syndrome (AS/PWS) region., imprinting disorder.

Submission:

Labcorp Genetics (formerly Invitae), Labcorp
Classification: Uncertain significance for Angelman syndrome. Last evaluated: 2020-11-03. Review status: criteria provided, single submitter. Criteria: Invitae Variant Classification Sherloc (09022015). Collection method: clinical testing. Allele origin: germline.
Comment: In summary, the available evidence is currently insufficient to determine the role of this variant in disease. Therefore, it has been classified as a Variant of Uncertain Significance. Algorithms developed to predict the effect of missense changes on protein structure and function are either unavailable or do not agree on the potential impact of this missense change (SIFT: "Not Available"; PolyPhen-2: "Benign"; Align-GVGD: "Not Available"). This variant has not been reported in the literature in individuals with UBE3A-related conditions. This variant is not present in population databases (ExAC no frequency). This sequence change replaces methionine with valine at codon 40 of the UBE3A protein (p.Met40Val). The methionine residue is moderately conserved and there is a small physicochemical difference between methionine and valine.

NM_130839.5(UBE3A):c.178A>G (p.Met60Val)

Genes: SNHG14 (small nucleolar RNA host gene 14; plus strand), UBE3A (ubiquitin protein ligase E3A; minus strand). Cytogenetic location: 15q11.2.
Variant type: single nucleotide variant.
Coding change: c.178A>G on transcript NM_130839.5 (MANE Select); coding-DNA position 178, A replaced by G.
Protein change: p.Met60Val; replaces methionine 60 with valine.
Molecular consequence: missense variant. On other transcripts: initiator codon variant (1), non-coding transcript variant (1).
Genome position (GRCh38, 1-based): chr15:25,375,648, T>C on the plus strand (A>G on the coding strand, the complement: UBE3A is on the minus strand). VCF-style: chr15-25375648-T-C. GRCh37 (hg19) VCF-style: chr15-25620795-T-C.
Other names: c.187A>G, p.Met63Val (NM_000462.5); c.178A>G, p.Met60Val (NM_001354505.1, NM_001354538.2, NM_001354545.2 and 1 more transcripts); c.118A>G, p.Met40Val (NM_001354506.2, NM_001354507.2, NM_001354508.2 and 18 more transcripts); c.1A>G, p.Met1Val (NM_001354546.2); short protein forms M63V, M40V, M60V, M1V.
Identifiers: ClinVar variation 1515189 (VCV001515189.7), dbSNP rs2081081704, ClinGen allele CA391356464.